The following is an entry in ClinVar:

NM_181458.4(PAX3):c.9G>A (p.Thr3=)

Genes: CCDC140 (CCDC140 long non-coding RNA; plus strand), PAX3 (paired box 3; minus strand), LOC107980445 (PAX3 promoter region; plus strand). Cytogenetic location: 2q36.1.
Variant type: single nucleotide variant.
Coding change: c.9G>A on transcript NM_181458.4 (MANE Select); coding-DNA position 9, G replaced by A.
Protein change: p.Thr3=; no amino-acid change (threonine 3 retained).
Molecular consequence: synonymous variant.
Genome position (GRCh38, 1-based): chr2:222,298,607, C>T on the plus strand (G>A on the coding strand, the complement: PAX3 is on the minus strand). VCF-style: chr2-222298607-C-T. GRCh37 (hg19) VCF-style: chr2-223163326-C-T.
Other names: c.9G>A, p.Thr3= (NM_000438.6, NM_001127366.3, NM_013942.5 and 4 more transcripts).
Identifiers: ClinVar variation 504760 (VCV000504760.14), dbSNP rs377366463, ClinGen allele CA2135836.

ClinVar aggregate classification (germline): Likely benign. Review status: criteria provided, multiple submitters, no conflicts (2 of 4 stars). 5 submissions from 5 submitters: Likely benign (5). Last evaluated 2025-09-08.

Allele frequency attached by ClinVar (database versions not stated): ESP Exome Variant Server 0.00008; gnomAD exomes 0.00016; ExAC 0.00024; gnomAD 0.00037 and 0.00046; TOPMed 0.00046; 1000 Genomes Project 30x 0.00047; 1000 Genomes Project 0.00060.

Submissions (5):

Labcorp Genetics (formerly Invitae), Labcorp
Classification: Likely benign. Last evaluated: 2025-09-08. Review status: criteria provided, single submitter. Criteria: Invitae Variant Classification Sherloc (09022015). Collection method: clinical testing. Allele origin: germline.

Blueprint Genetics
Classification: Likely benign. Last evaluated: 2024-08-06. Review status: criteria provided, single submitter. Criteria: ACMG Guidelines, 2015. Collection method: clinical testing. Allele origin: germline.

GeneDx
Classification: Likely benign. Last evaluated: 2019-05-06. Review status: criteria provided, single submitter. Criteria: GeneDx Variant Classification (06012015). Collection method: clinical testing. Allele origin: germline. Affected: yes.

Laboratory for Molecular Medicine, Mass General Brigham Personalized Medicine
Classification: Likely benign. Last evaluated: 2017-07-13. Review status: criteria provided, single submitter. Criteria: LMM Criteria. Collection method: clinical testing. Allele origin: germline. Observed: 1 variant allele.
Comment: p.Thr3Thr in exon 1 of PAX3: This variant is not expected to have clinical signi ficance because it does not alter an amino acid residue and is not located withi n the splice consensus sequence. It has been identified in 33/21586 African and 17/32878 Latino chromosomes by the Genome Aggregation Database (gnomAD; dbSNP rs377366463).

Breakthrough Genomics
Classification: Likely benign. Review status: criteria provided, single submitter. Criteria: ACMG Guidelines, 2015. Collection method: not provided. Allele origin: germline. Inheritance: Autosomal recessive inheritance. Affected: yes.